The following is an entry in ClinVar:

ClinVar aggregate classification (germline): Uncertain significance (1 of 4 stars; one submission).

gnomAD v4.1: 3 of 1,210,165 alleles (0.00025%); highest among the groups gnomAD compares: Non-Finnish European, 0.00034%; no homozygotes.

Submission:

GeneDx
Classification: Uncertain significance. Last evaluated: 2024-12-26. Review status: criteria provided, single submitter. Criteria: GeneDx Variant Classification Process June 2021. Collection method: clinical testing. Allele origin: germline. Affected: yes.
Comment: Not observed at significant frequency in large population cohorts (gnomAD); In silico analysis indicates that this missense variant does not alter protein structure/function; Has not been previously published as pathogenic or benign to our knowledge

NM_001330574.2(ZNF711):c.2252A>G (p.Gln751Arg)

Gene: ZNF711 (zinc finger protein 711; plus strand). Cytogenetic location: Xq21.1.
Variant type: single nucleotide variant.
Coding change: c.2252A>G on transcript NM_001330574.2 (MANE Select); coding-DNA position 2252, A replaced by G.
Protein change: p.Gln751Arg; replaces glutamine 751 with arginine.
Molecular consequence: missense variant.
Genome position (GRCh38, 1-based): chrX:85,271,656, A>G. VCF-style: chrX-85271656-A-G. GRCh37 (hg19) VCF-style: chrX-84526662-A-G.
Other names: c.2252A>G, p.Gln751Arg (NM_001375431.1, NM_001375432.1, NM_001375433.1); c.2114A>G, p.Gln705Arg (NM_001375434.1, NM_001375435.1, NM_001375436.1 and 2 more transcripts); short protein forms Q705R, Q751R.
Identifiers: ClinVar variation 3907778 (VCV003907778.1).